The following is an entry in ClinVar:

NM_006364.4(SEC23A):c.2209-13dup

Gene: SEC23A (SEC23 homolog A, COPII component; minus strand). Cytogenetic location: 14q21.1.
Variant type: Duplication.
Coding change: c.2209-13dup on transcript NM_006364.4 (MANE Select); 13 bases into the intron before coding-DNA position 2209, one base duplicated (T; older notation c.2209-13dupT).
Molecular consequence: intron variant.
Genome position (GRCh38, 1-based): chr14:39,033,336, A duplicated on the plus strand (T on the coding strand, the reverse complement: SEC23A is on the minus strand); the first of 6 consecutive A bases (chr14:39,033,336-39,033,341); duplicating any one gives the same sequence. VCF-style (leftmost placement, unchanged base first): chr14-39033335-G-GA. GRCh37 (hg19) VCF-style: chr14-39502539-G-GA.
Other names: p.?; c.2209-8dup (NM_006364.4).
Identifiers: ClinVar variation 683759 (VCV000683759.12), dbSNP rs11418467, ClinGen allele CA7161621.
Genomic context (GRCh38, chr14:39,033,335, plus strand): 5'-ATCCATAAACACTTGTAAACTAACATCATCTGTAAGAATAGGTGCTCCAGACTCCTAGAG[G>GA]AAAAAAGATATTTGTTATGATTAAAGCATAGGGTGATATCATGGAATTTATACACAAATG-3'

ClinVar aggregate classification (germline): Benign. Review status: criteria provided, multiple submitters, no conflicts (2 of 4 stars). 4 submissions from 4 submitters: Benign (4). Last evaluated 2026-02-03.

Conditions:
Craniolenticulosutural dysplasia (CLSD). Also called: BOYADJIEV-JABS SYNDROME. Identifiers: Orphanet 50814, MedGen C1843042, MONDO:0011911, OMIM 607812.

Submissions (4):

Labcorp Genetics (formerly Invitae), Labcorp
Classification: Benign for Craniolenticulosutural dysplasia. Last evaluated: 2026-02-03. Review status: criteria provided, single submitter. Criteria: Invitae Variant Classification Sherloc (09022015). Collection method: clinical testing. Allele origin: germline.

Genome-Nilou Lab
Classification: Benign for Craniolenticulosutural dysplasia. Last evaluated: 2021-07-15. Review status: criteria provided, single submitter. Criteria: ACMG Guidelines, 2015. Collection method: clinical testing. Allele origin: germline. Affected: no.

GeneDx
Classification: Benign. Last evaluated: 2018-06-14. Review status: criteria provided, single submitter. Criteria: GeneDx Variant Classification (06012015). Collection method: clinical testing. Allele origin: germline. Affected: yes.
Comment: This variant is considered likely benign or benign based on one or more of the following criteria: it is a conservative change, it occurs at a poorly conserved position in the protein, it is predicted to be benign by multiple in silico algorithms, and/or has population frequency not consistent with disease.

Mayo Clinic Laboratories, Mayo Clinic
Classification: Benign. Last evaluated: 2017-12-19. Review status: criteria provided, single submitter. Criteria: ACMG Guidelines, 2015. Collection method: clinical testing. Allele origin: germline. Observed: 42 variant alleles.